The following is an entry in ClinVar:

NM_001378418.1(TCF20):c.5443G>A (p.Gly1815Ser)

Gene: TCF20 (transcription factor 20; minus strand). Cytogenetic location: 22q13.2.
Variant type: single nucleotide variant.
Coding change: c.5443G>A on transcript NM_001378418.1 (MANE Select); coding-DNA position 5443, G replaced by A.
Protein change: p.Gly1815Ser; replaces glycine 1815 with serine.
Molecular consequence: missense variant.
Genome position (GRCh38, 1-based): chr22:42,209,863, C>T on the plus strand (G>A on the coding strand, the complement: TCF20 is on the minus strand). VCF-style: chr22-42209863-C-T. GRCh37 (hg19) VCF-style: chr22-42605869-C-T.
Other names: c.5443G>A, p.Gly1815Ser (NM_005650.4, NM_181492.3); short protein forms G1815S.
Identifiers: ClinVar variation 3676622 (VCV003676622.2).

ClinVar aggregate classification (germline): Uncertain significance (1 of 4 stars; one submission).

gnomAD v4.1: 3 of 1,614,082 alleles (0.00019%); highest among the groups gnomAD compares: Admixed American, 0.0033%; no homozygotes.

Submission:

Labcorp Genetics (formerly Invitae), Labcorp
Classification: Uncertain significance. Last evaluated: 2024-09-05. Review status: criteria provided, single submitter. Criteria: Invitae Variant Classification Sherloc (09022015). Collection method: clinical testing. Allele origin: germline.
Comment: This sequence change replaces glycine, which is neutral and non-polar, with serine, which is neutral and polar, at codon 1815 of the TCF20 protein (p.Gly1815Ser). This variant is present in population databases (no rsID available, gnomAD 0.003%). This variant has not been reported in the literature in individuals affected with TCF20-related conditions. An algorithm developed to predict the effect of missense changes on protein structure and function (PolyPhen-2) suggests that this variant is likely to be tolerated. In summary, the available evidence is currently insufficient to determine the role of this variant in disease. Therefore, it has been classified as a Variant of Uncertain Significance.